The following is an entry in ClinVar:

ClinVar aggregate classification (germline): Uncertain significance. Review status: criteria provided, single submitter (1 of 4 stars). 2 submissions from 2 submitters: Uncertain significance (1). 1 of the submissions does not count toward it. Last evaluated 2024-12-26.

Conditions:
Cystic fibrosis (CF). Also called: MUCOVISCIDOSIS. Identifiers: Orphanet 586, MedGen C0010674, MONDO:0009061, OMIM 219700. Disease mechanism: loss of function.

gnomAD v4.1: 1 of 1,613,438 alleles (0.000062%); highest among the groups gnomAD compares: Non-Finnish European, 0.000085%; no homozygotes.

Submissions (2):

Women's Health and Genetics/Laboratory Corporation of America, LabCorp
Classification: Uncertain significance. Last evaluated: 2024-12-26. Review status: criteria provided, single submitter. Criteria: LabCorp Variant Classification Summary - May 2015. Collection method: clinical testing. Allele origin: germline.
Comment: Variant summary: CFTR c.926C>A (p.Ala309Asp) results in a non-conservative amino acid change located in the ABC transporter type 1, transmembrane domain (IPR011527) of the encoded protein sequence. Five of five in-silico tools predict a damaging effect of the variant on protein function. The variant allele was found at a frequency of 6.2e-07 in 1613438 control chromosomes (gnomAD v4.1). c.926C>A has been reported in the literature in at least one compound heterozygous individual affected with Cystic Fibrosis (e.g. Padoan_2002). These data do not allow any conclusion about variant significance. At least one publication reports experimental evidence evaluating an impact on protein function. The most pronounced variant effect resulted in approximately 21% of normal chloride channel conductance relative to wild type (Bihler_2024). The following publications have been ascertained in the context of this evaluation (PMID: 12014388, 36552859, 38388235). ClinVar contains an entry for this variant (Variation ID: 554772). Based on the evidence outlined above, the variant was classified as VUS-possibly pathogenic.

Counsyl
Classification: Uncertain significance for Cystic fibrosis. Last evaluated: 2017-11-14. Review status: no assertion criteria provided. Collection method: clinical testing. Allele origin: unknown. Not counted in ClinVar's aggregate classification.

Literature cited by the submitters: PubMed 12014388 (cited by Women's Health and Genetics/Laboratory Corporation of America, LabCorp and Counsyl); PubMed 36552859 (cited by Women's Health and Genetics/Laboratory Corporation of America, LabCorp); PubMed 38388235 (cited by Women's Health and Genetics/Laboratory Corporation of America, LabCorp); PubMed 17272608 (cited by Counsyl).

NM_000492.4(CFTR):c.926C>A (p.Ala309Asp)

Gene: CFTR (CF transmembrane conductance regulator; plus strand). Cytogenetic location: 7q31.2.
Variant type: single nucleotide variant.
Coding change: c.926C>A on transcript NM_000492.4 (MANE Select); coding-DNA position 926, C replaced by A.
Protein change: p.Ala309Asp; replaces alanine 309 with aspartic acid.
Molecular consequence: missense variant.
Genome position (GRCh38, 1-based): chr7:117,540,156, C>A. VCF-style: chr7-117540156-C-A. GRCh37 (hg19) VCF-style: chr7-117180210-C-A.
Other names: short protein forms A309D.
Identifiers: ClinVar variation 554772 (VCV000554772.6), dbSNP rs397508818, ClinGen allele CA368978263.